The following is an entry in ClinVar:

ClinVar aggregate classification (germline): Uncertain significance (1 of 4 stars; one submission).

Conditions:
Dilated cardiomyopathy 1J (CMD1J). Also called: CARDIOMYOPATHY, DILATED, WITH SENSORINEURAL HEARING LOSS, AUTOSOMAL DOMINANT. Identifiers: Orphanet 217622, MedGen C1854368, MONDO:0011541, OMIM 605362.

Submission:

Labcorp Genetics (formerly Invitae), Labcorp
Classification: Uncertain significance for Dilated cardiomyopathy 1J. Last evaluated: 2025-02-06. Review status: criteria provided, single submitter. Criteria: Invitae Variant Classification Sherloc (09022015). Collection method: clinical testing. Allele origin: germline.
Comment: This sequence change replaces phenylalanine, which is neutral and non-polar, with leucine, which is neutral and non-polar, at codon 618 of the EYA4 protein (p.Phe618Leu). This variant is not present in population databases (gnomAD no frequency). This variant has not been reported in the literature in individuals affected with EYA4-related conditions. Invitae Evidence Modeling of protein sequence and biophysical properties (such as structural, functional, and spatial information, amino acid conservation, physicochemical variation, residue mobility, and thermodynamic stability) indicates that this missense variant is expected to disrupt EYA4 protein function with a positive predictive value of 80%. In summary, the available evidence is currently insufficient to determine the role of this variant in disease. Therefore, it has been classified as a Variant of Uncertain Significance.

NM_004100.5(EYA4):c.1854C>G (p.Phe618Leu)

Genes: TARID (TCF21 antisense RNA inducing promoter demethylation; minus strand), EYA4 (EYA transcriptional coactivator and phosphatase 4; plus strand). Cytogenetic location: 6q23.2.
Variant type: single nucleotide variant.
Coding change: c.1854C>G on transcript NM_004100.5 (MANE Select); coding-DNA position 1854, C replaced by G.
Protein change: p.Phe618Leu; replaces phenylalanine 618 with leucine.
Molecular consequence: missense variant.
Genome position (GRCh38, 1-based): chr6:133,528,739, C>G. VCF-style: chr6-133528739-C-G. GRCh37 (hg19) VCF-style: chr6-133849877-C-G.
Other names: c.1692C>G, p.Phe564Leu (NM_001301012.2); c.1872C>G, p.Phe624Leu (NM_001301013.2); c.1785C>G, p.Phe595Leu (NM_001370458.1, NM_172103.4); c.1710C>G, p.Phe570Leu (NM_001370459.1); c.1854C>G, p.Phe618Leu (NM_172105.4); short protein forms F564L, F595L, F624L, F570L, F618L.
Identifiers: ClinVar variation 4743914 (VCV004743914.1).
Genomic context (GRCh38, chr6:133,528,739, plus strand): 5'-TTCCTTCCCCTTCTCTCTCCCATCCCTCCTTCTCCTAACCACACAGCACAACATGCCCTT[C>G]TGGAGGATATCCAGTCACTCAGACCTCCTGGCTCTCCACCAAGCACTGGAATTAGAGTAT-3'
Protein context (NP_004091.3, residues 608-628): EQAAKKHNMP[Phe618Leu]WRISSHSDLL